The following is an entry in ClinVar:

ClinVar aggregate classification (germline): Uncertain significance. Review status: criteria provided, multiple submitters, no conflicts (2 of 4 stars). 2 submissions from 2 submitters: Uncertain significance (2). Last evaluated 2025-09-13.

Conditions:
Hereditary cancer-predisposing syndrome. Also called: Neoplastic Syndromes, Hereditary; Hereditary Cancer Syndrome; Hereditary neoplastic syndrome; Tumor predisposition. Identifiers: Orphanet 140162, MedGen C0027672, MeSH D009386, MONDO:0015356.
Gorlin syndrome. Also called: Basal cell nevus syndrome; Nevoid Basal Cell Carcinoma Syndrome. Identifiers: Orphanet 377, MedGen C0004779, MONDO:0007187.

Allele frequency attached by ClinVar (database versions not stated): gnomAD exomes below 0.00001.
gnomAD v4.1: 1 of 1,614,186 alleles (0.000062%); highest among the groups gnomAD compares: Non-Finnish European, 0.000085%; no homozygotes.

Submissions (2):

Ambry Genetics
Classification: Uncertain significance for Hereditary cancer-predisposing syndrome. Last evaluated: 2025-09-13. Review status: criteria provided, single submitter. Criteria: Ambry Variant Classification Scheme 2023. Collection method: clinical testing. Allele origin: germline.
Comment: The p.K377E variant (also known as c.1129A>G), located in coding exon 8 of the PTCH1 gene, results from an A to G substitution at nucleotide position 1129. The lysine at codon 377 is replaced by glutamic acid, an amino acid with similar properties. This amino acid position is not well conserved in available vertebrate species. In addition, the in silico prediction for this alteration is inconclusive. Since supporting evidence is limited at this time, the clinical significance of this alteration remains unclear.

Labcorp Genetics (formerly Invitae), Labcorp
Classification: Uncertain significance for Gorlin syndrome. Last evaluated: 2023-06-14. Review status: criteria provided, single submitter. Criteria: Invitae Variant Classification Sherloc (09022015). Collection method: clinical testing. Allele origin: germline.
Comment: Advanced modeling of protein sequence and biophysical properties (such as structural, functional, and spatial information, amino acid conservation, physicochemical variation, residue mobility, and thermodynamic stability) performed at Invitae indicates that this missense variant is not expected to disrupt PTCH1 protein function. This sequence change replaces lysine, which is basic and polar, with glutamic acid, which is acidic and polar, at codon 377 of the PTCH1 protein (p.Lys377Glu). This variant is not present in population databases (gnomAD no frequency). This variant has not been reported in the literature in individuals affected with PTCH1-related conditions. ClinVar contains an entry for this variant (Variation ID: 640650). In summary, the available evidence is currently insufficient to determine the role of this variant in disease. Therefore, it has been classified as a Variant of Uncertain Significance.

NM_000264.5(PTCH1):c.1129A>G (p.Lys377Glu)

Gene: PTCH1 (patched 1; minus strand). Cytogenetic location: 9q22.32.
Variant type: single nucleotide variant.
Coding change: c.1129A>G on transcript NM_000264.5 (MANE Select); coding-DNA position 1129, A replaced by G.
Protein change: p.Lys377Glu; replaces lysine 377 with glutamic acid.
Molecular consequence: missense variant. On other transcripts: non-coding transcript variant (1).
Genome position (GRCh38, 1-based): chr9:95,479,086, T>C on the plus strand (A>G on the coding strand, the complement: PTCH1 is on the minus strand). VCF-style: chr9-95479086-T-C. GRCh37 (hg19) VCF-style: chr9-98241368-T-C.
Other names: c.931A>G, p.Lys311Glu (NM_001083602.3); c.1126A>G, p.Lys376Glu (NM_001083603.3); c.676A>G, p.Lys226Glu (NM_001083604.3, NM_001083605.3, NM_001083606.3 and 1 more transcripts); c.1129A>G, p.Lys377Glu (NM_001354918.2); short protein forms K226E, K311E, K376E, K377E.
Identifiers: ClinVar variation 640650 (VCV000640650.12), dbSNP rs1588605721, ClinGen allele CA374119401.